The following is an entry in ClinVar:

ClinVar aggregate classification (germline): Uncertain significance (1 of 4 stars; one submission).

Conditions:
JPH2-related disorder. Also called: JPH2-related condition.

gnomAD v4.1: 8 of 1,613,516 alleles (0.0005%); highest among the groups gnomAD compares: African/African-American, 0.011%; no homozygotes.

Submission:

PreventionGenetics, part of Exact Sciences
Classification: Uncertain significance for JPH2-related condition. Last evaluated: 2025-06-18. Review status: criteria provided, single submitter. Criteria: ACMG Guidelines, 2015. Collection method: clinical testing. Allele origin: germline.
Comment: The JPH2 c.1945G>T variant is predicted to result in the amino acid substitution p.Gly649Trp. To our knowledge, this variant has not been reported in the literature. This variant is reported in 0.016% of alleles in individuals of African descent in gnomAD. At this time, the clinical significance of this variant is uncertain due to the absence of conclusive functional and genetic evidence.

NM_020433.5(JPH2):c.1945G>T (p.Gly649Trp)

Gene: JPH2 (junctophilin 2; minus strand). Cytogenetic location: 20q13.12.
Variant type: single nucleotide variant.
Coding change: c.1945G>T on transcript NM_020433.5 (MANE Select); coding-DNA position 1945, G replaced by T.
Protein change: p.Gly649Trp; replaces glycine 649 with tryptophan.
Molecular consequence: missense variant.
Genome position (GRCh38, 1-based): chr20:44,115,730, C>A on the plus strand (G>T on the coding strand, the complement: JPH2 is on the minus strand). VCF-style: chr20-44115730-C-A. GRCh37 (hg19) VCF-style: chr20-42744370-C-A.
Other names: short protein forms G649W.
Identifiers: ClinVar variation 4980379 (VCV004980379.1).
Genomic context (GRCh38, chr20:44,115,730, plus strand): 5'-CCACCTCCACCTCCGCCTCTGCCGCCAGTGCGGCCTCCTTCCGCGCCTTCTTCTTGGCCC[C>A]CGCCTTGGTCAGCCCTCGAGCCTCAGTCTTGCGGGCCTTGGCCCTGGGCTCGGCTTTGGG-3'
Protein context (NP_065166.2, residues 639-659): KTEARGLTKA[Gly649Trp]AKKKARKEAA